The following is an entry in ClinVar:

ClinVar aggregate classification (germline): Uncertain significance. Review status: criteria provided, multiple submitters, no conflicts (2 of 4 stars). 2 submissions from 2 submitters: Uncertain significance (2). Last evaluated 2024-02-01.

Conditions:
Inborn genetic diseases. Identifiers: MedGen C0950123, MeSH D030342.

Allele frequency attached by ClinVar (database versions not stated): ExAC 0.00008; gnomAD exomes 0.00008; ESP Exome Variant Server 0.00023.
gnomAD v4.1: 127 of 1,613,668 alleles (0.0079%); highest among the groups gnomAD compares: Admixed American, 0.018%; no homozygotes.

Submissions (2):

Mayo Clinic Laboratories, Mayo Clinic
Classification: Uncertain significance. Last evaluated: 2024-02-01. Review status: criteria provided, single submitter. Criteria: ACMG Guidelines, 2015. Collection method: clinical testing. Allele origin: germline. Observed: 1 variant allele.
Comment: BP4, PM1_supporting

Ambry Genetics
Classification: Uncertain significance for Inborn genetic diseases. Last evaluated: 2021-10-20. Review status: criteria provided, single submitter. Criteria: Ambry Variant Classification Scheme 2023. Collection method: clinical testing. Allele origin: germline.

NM_001025356.3(ANO6):c.2687G>A (p.Arg896Gln)

Gene: ANO6 (anoctamin 6; plus strand). Cytogenetic location: 12q12.
Variant type: single nucleotide variant.
Coding change: c.2687G>A on transcript NM_001025356.3 (MANE Select); coding-DNA position 2687, G replaced by A.
Protein change: p.Arg896Gln; replaces arginine 896 with glutamine.
Molecular consequence: missense variant. On other transcripts: intron variant (1).
Genome position (GRCh38, 1-based): chr12:45,429,265, G>A. VCF-style: chr12-45429265-G-A. GRCh37 (hg19) VCF-style: chr12-45823048-G-A.
Other names: p.Arg896Gln; c.2633G>A, p.Arg878Gln (NM_001142678.2); c.2750G>A, p.Arg917Gln (NM_001204803.2); c.2654G>A, p.Arg885Gln (NM_001410973.1); c.2526+6203G>A (NM_001142679.2); short protein forms R878Q, R885Q, R896Q, R917Q.
Identifiers: ClinVar variation 2386906 (VCV002386906.3), dbSNP rs112568951, ClinGen allele CA6525695.
Genomic context (GRCh38, chr12:45,429,265, plus strand): 5'-AGCTTCTTCATGAGAATCACCTCAAAGATATGACGAAAAATATGGGGGTGATAGCTGAGC[G>A]GATGATAGAAGCAGTAGATAACAATTTACGGCCAAAATCAGAATAAGAGCTTTATGTTCT-3'
Protein context (NP_001020527.2, residues 886-906): MTKNMGVIAE[Arg896Gln]MIEAVDNNLR